The following is an entry in ClinVar:

ClinVar aggregate classification (germline): Pathogenic. Review status: criteria provided, multiple submitters, no conflicts (2 of 4 stars). 3 submissions from 3 submitters: Pathogenic (3). Last evaluated 2023-12-10.

Conditions:
CYP4V2-related disorder. Also called: CYP4V2-related condition; CYP4V2-related disorders.

Allele frequency attached by ClinVar (database versions not stated): gnomAD exomes 0.00003 and 0.00002; TOPMed 0.00002; ExAC 0.00003; gnomAD 0.00001; ESP Exome Variant Server 0.00008.
gnomAD v4.1: 35 of 1,613,660 alleles (0.0022%); highest among the groups gnomAD compares: Non-Finnish European, 0.0026%; no homozygotes.

Submissions (3):

Labcorp Genetics (formerly Invitae), Labcorp
Classification: Pathogenic. Last evaluated: 2023-12-10. Review status: criteria provided, single submitter. Criteria: Invitae Variant Classification Sherloc (09022015). Collection method: clinical testing. Allele origin: germline.
Comment: This sequence change replaces arginine, which is basic and polar, with glycine, which is neutral and non-polar, at codon 465 of the CYP4V2 protein (p.Arg465Gly). This variant is present in population databases (rs144109267, gnomAD 0.007%). This missense change has been observed in individuals with Bietti crystalline dystrophy (PMID: 23221965, 24480711, 25629076, 28051075, 29691984). ClinVar contains an entry for this variant (Variation ID: 166978). Advanced modeling of protein sequence and biophysical properties (such as structural, functional, and spatial information, amino acid conservation, physicochemical variation, residue mobility, and thermodynamic stability) has been performed at Invitae for this missense variant, however the output from this modeling did not meet the statistical confidence thresholds required to predict the impact of this variant on CYP4V2 protein function. For these reasons, this variant has been classified as Pathogenic.

Blueprint Genetics
Classification: Pathogenic for CYP4V2-related disorders. Last evaluated: 2023-10-25. Review status: criteria provided, single submitter. Criteria: ACMG Guidelines, 2015. Collection method: clinical testing. Allele origin: germline. Affected: yes. Observed: 5 variant alleles.

Eurofins Ntd Llc (ga)
Classification: Pathogenic. Last evaluated: 2014-04-11. Review status: criteria provided, single submitter. Criteria: EGL Classification Definitions 2015. Collection method: clinical testing. Allele origin: germline. Observed: 1 variant allele, 1 homozygote.

Literature cited by the submitters: PubMed 23221965 (cited by Labcorp Genetics (formerly Invitae), Labcorp and Eurofins Ntd Llc (ga)); PubMed 24480711 (cited by Labcorp Genetics (formerly Invitae), Labcorp and Eurofins Ntd Llc (ga)); PubMed 25629076 (cited by Labcorp Genetics (formerly Invitae), Labcorp); PubMed 28051075 (cited by Labcorp Genetics (formerly Invitae), Labcorp); PubMed 29691984 (cited by Labcorp Genetics (formerly Invitae), Labcorp).

NM_207352.4(CYP4V2):c.1393A>G (p.Arg465Gly)

Gene: CYP4V2 (cytochrome P450 family 4 subfamily V member 2; plus strand). Cytogenetic location: 4q35.2.
Variant type: single nucleotide variant.
Coding change: c.1393A>G on transcript NM_207352.4 (MANE Select); coding-DNA position 1393, A replaced by G.
Protein change: p.Arg465Gly; replaces arginine 465 with glycine.
Molecular consequence: missense variant.
Genome position (GRCh38, 1-based): chr4:186,209,260, A>G. VCF-style: chr4-186209260-A-G. GRCh37 (hg19) VCF-style: chr4-187130414-A-G.
Other names: short protein forms R465G.
Identifiers: ClinVar variation 166978 (VCV000166978.13), dbSNP rs144109267, ClinGen allele CA273326.